The following is an entry in ClinVar:

ClinVar aggregate classification (germline): Uncertain significance (1 of 4 stars; one submission).

Conditions:
Singleton-Merten syndrome 1 (SGMRT1). Also called: Widened medullary cavities of bone, aortic calcification, abnormal dentition, and muscular weakness; Syndrome of widened medullary cavities of the metacarpals and phalanges, aortic calcification and abnormal dentition. Identifiers: Orphanet 85191, MedGen C4225427, MONDO:0024535, OMIM 182250.
Aicardi-Goutieres syndrome 7 (AGS7). Identifiers: Orphanet 51, MedGen C3888244, MONDO:0014367, OMIM 615846.

Submission:

Labcorp Genetics (formerly Invitae), Labcorp
Classification: Uncertain significance for Aicardi-Goutieres syndrome 7; Singleton-Merten syndrome 1. Last evaluated: 2021-06-05. Review status: criteria provided, single submitter. Criteria: Invitae Variant Classification Sherloc (09022015). Collection method: clinical testing. Allele origin: germline.
Comment: In summary, the available evidence is currently insufficient to determine the role of this variant in disease. Therefore, it has been classified as a Variant of Uncertain Significance. This sequence change replaces threonine with isoleucine at codon 767 of the IFIH1 protein (p.Thr767Ile). The threonine residue is moderately conserved and there is a moderate physicochemical difference between threonine and isoleucine. This variant is not present in population databases (ExAC no frequency). This variant has not been reported in the literature in individuals with IFIH1-related conditions. Algorithms developed to predict the effect of missense changes on protein structure and function are either unavailable or do not agree on the potential impact of this missense change (SIFT: "Deleterious"; PolyPhen-2: "Probably Damaging"; Align-GVGD: "Class C0").

NM_022168.4(IFIH1):c.2300C>T (p.Thr767Ile)

Gene: IFIH1 (interferon induced with helicase C domain 1; minus strand). Cytogenetic location: 2q24.2.
Variant type: single nucleotide variant.
Coding change: c.2300C>T on transcript NM_022168.4 (MANE Select); coding-DNA position 2300, C replaced by T.
Protein change: p.Thr767Ile; replaces threonine 767 with isoleucine.
Molecular consequence: missense variant.
Genome position (GRCh38, 1-based): chr2:162,276,691, G>A on the plus strand (C>T on the coding strand, the complement: IFIH1 is on the minus strand). VCF-style: chr2-162276691-G-A. GRCh37 (hg19) VCF-style: chr2-163133201-G-A.
Other names: short protein forms T767I.
Identifiers: ClinVar variation 1488057 (VCV001488057.8), dbSNP rs2105196465, ClinGen allele CA348996147.